The following is an entry in ClinVar:

NM_007194.4(CHEK2):c.118A>G (p.Ser40Gly)

Gene: CHEK2 (checkpoint kinase 2; minus strand). Cytogenetic location: 22q12.1.
Variant type: single nucleotide variant.
Coding change: c.118A>G on transcript NM_007194.4 (MANE Select); coding-DNA position 118, A replaced by G.
Protein change: p.Ser40Gly; replaces serine 40 with glycine.
Molecular consequence: missense variant.
Genome position (GRCh38, 1-based): chr22:28,734,604, T>C on the plus strand (A>G on the coding strand, the complement: CHEK2 is on the minus strand). VCF-style: chr22-28734604-T-C. GRCh37 (hg19) VCF-style: chr22-29130592-T-C.
Other names: c.118A>G, p.Ser40Gly (NM_001005735.3, NM_001349956.3, NM_145862.3); c.-660A>G (NM_001257387.3); short protein forms S40G.
Identifiers: ClinVar variation 803659 (VCV000803659.6), dbSNP rs1601853229, ClinGen allele CA411091348.

ClinVar aggregate classification (germline): Uncertain significance. Review status: criteria provided, multiple submitters, no conflicts (2 of 4 stars). 2 submissions from 2 submitters: Uncertain significance (2). Last evaluated 2024-07-30.

Conditions:
Familial cancer of breast. Also called: BREAST CANCER, FAMILIAL; Hereditary breast cancer; hereditary breast carcinoma. Identifiers: Orphanet 227535, MedGen C0346153, MONDO:0016419, OMIM 114480. Disease mechanism: loss of function.

Allele frequency attached by ClinVar (database versions not stated): gnomAD exomes below 0.00001.
gnomAD v4.1: 1 of 1,613,832 alleles (0.000062%); highest among the groups gnomAD compares: Non-Finnish European, 0.000085%; no homozygotes.

Submissions (2):

Labcorp Genetics (formerly Invitae), Labcorp
Classification: Uncertain significance for Familial cancer of breast. Last evaluated: 2024-07-30. Review status: criteria provided, single submitter. Criteria: Invitae Variant Classification Sherloc (09022015). Collection method: clinical testing. Allele origin: germline.
Comment: This sequence change replaces serine, which is neutral and polar, with glycine, which is neutral and non-polar, at codon 40 of the CHEK2 protein (p.Ser40Gly). This variant is not present in population databases (gnomAD no frequency). This variant has not been reported in the literature in individuals affected with CHEK2-related conditions. ClinVar contains an entry for this variant (Variation ID: 803659). An algorithm developed to predict the effect of missense changes on protein structure and function outputs the following: PolyPhen-2: "Benign". The glycine amino acid residue is found in multiple mammalian species, which suggests that this missense change does not adversely affect protein function. In summary, the available evidence is currently insufficient to determine the role of this variant in disease. Therefore, it has been classified as a Variant of Uncertain Significance.

Mendelics
Classification: Uncertain significance for Familial cancer of breast. Last evaluated: 2019-05-28. Review status: criteria provided, single submitter. Criteria: Mendelics Assertion Criteria 2017. Collection method: clinical testing. Allele origin: unknown.